The following is an entry in ClinVar:

ClinVar aggregate classification (germline): Likely pathogenic (1 of 4 stars; one submission).

Conditions:
Autosomal recessive osteopetrosis 1. Also called: ALBERS-SCHONBERG DISEASE, AUTOSOMAL RECESSIVE; TCIRG1-Related Autosomal Recessive Osteopetrosis; TCIRG1-Related Osteopetrosis. Identifiers: Orphanet 667, MedGen C1850127, MONDO:0009815, OMIM 259700.

Submission:

Natera, Inc.
Classification: Likely pathogenic for Infantile malignant osteopetrosis. Last evaluated: 2025-08-07. Review status: criteria provided, single submitter. Criteria: Natera Variant Classification Schema (03/2026). Collection method: clinical testing. Allele origin: germline.
Comment: The c.241_242dup variant in TCIRG1 is a frameshift variant predicted to shift the reading frame beginning at codon 82 and leads to a stop codon 85 codons downstream. This variant is expected to result in nonsense mediated decay, truncation, or a dysfunctional protein product. This variant is rare in the general population with a frequency below the threshold expected for the associated phenotype(s). Given the available evidence, this variant is classified as Likely Pathogenic.

NM_006019.4(TCIRG1):c.241_242dup (p.Pro82fs)

Gene: TCIRG1 (T cell immune regulator 1, ATPase H+ transporting V0 subunit a3; plus strand). Cytogenetic location: 11q13.2.
Variant type: Duplication.
Coding change: c.241_242dup on transcript NM_006019.4 (MANE Select); coding-DNA positions 241 to 242, 2 bases duplicated (CC; older notation c.241_242dupCC).
Protein change: p.Pro82fs; shifts the reading frame from proline 82.
Molecular consequence: frameshift variant. On other transcripts: 5 prime UTR variant (1), intron variant (1).
Genome position (GRCh38, 1-based): chr11:68,042,687-68,042,688, CC duplicated; duplicating any 2 consecutive bases within chr11:68,042,684-68,042,688 gives the same sequence; the c. name uses the placement nearest the transcript's 3' end. VCF-style (leftmost placement, unchanged base first): chr11-68042683-G-GCC. GRCh37 (hg19) VCF-style: chr11-67810150-G-GCC.
Other names: c.-1009_-1008dup (NM_001351059.2); c.241_242dup, p.Pro82fs (NM_001440552.1, NM_001440553.1, NM_001440554.1 and 9 more transcripts); c.199_200dup, p.Pro68fs (NM_001440555.1, NM_001440556.1, NM_001440563.1 and 2 more transcripts); c.118-259_118-258dup (NM_001440565.1); short protein forms P68fs, P82fs.
Identifiers: ClinVar variation 4815485 (VCV004815485.1).
Genomic context (GRCh38, chr11:68,042,683, plus strand): 5'-TCCCGTTCCTCTGCGCCCAGCCTTCCTGCAGGAGGAGGTGCGGCGGGCTGGGCTGGTCCT[G>GCC]CCCCCGCCAAAGGGGAGGCTGCCGGCACCCCCACCCCGGGACCTGCTGCGCATCCAGGAG-3'